The following is an entry in ClinVar:

ClinVar aggregate classification (germline): Conflicting classifications of pathogenicity. Review status: criteria provided, conflicting classifications (1 of 4 stars). 6 submissions from 6 submitters: Uncertain significance (2); Likely benign (3). 1 of the submissions does not count toward it. Last evaluated 2026-01-24.

Conditions:
Familial thoracic aortic aneurysm and aortic dissection (TAAD). Also called: Thoracic aortic aneurysms and dissections. Identifiers: Orphanet 91387, MedGen C4707243, MONDO:0019625.
Marfan syndrome (MFS). Also called: MARFAN SYNDROME, TYPE I; Marfan syndrome type 1; Marfan's syndrome; FBN1-Related Marfan Syndrome; Marfan syndrome, classic. Identifiers: Orphanet 284963, Orphanet 558, MedGen C0024796, MONDO:0007947, OMIM 154700.

Allele frequency attached by ClinVar (database versions not stated): TOPMed 0.00002.
gnomAD v4.1: 13 of 1,577,938 alleles (0.00082%); highest among the groups gnomAD compares: Admixed American, 0.005%; no homozygotes.

Submissions (6):

Labcorp Genetics (formerly Invitae), Labcorp
Classification: Uncertain significance for Marfan syndrome; Familial thoracic aortic aneurysm and aortic dissection. Last evaluated: 2026-01-24. Review status: criteria provided, single submitter. Criteria: Invitae Variant Classification Sherloc (09022015). Collection method: clinical testing. Allele origin: germline.
Comment: This sequence change falls in intron 47 of the FBN1 gene. It does not directly change the encoded amino acid sequence of the FBN1 protein. It affects a nucleotide within the consensus splice site. This variant is present in population databases (rs577301285, gnomAD 0.006%). This variant has been observed in individual(s) with clinical features of FBN1-related conditions (PMID: 30796334). ClinVar contains an entry for this variant (Variation ID: 316370). Variants that disrupt the consensus splice site are a relatively common cause of aberrant splicing (PMID: 17576681, 9536098). Algorithms developed to predict the effect of sequence changes on RNA splicing suggest that this variant is not likely to affect RNA splicing. In summary, the available evidence is currently insufficient to determine the role of this variant in disease. Therefore, it has been classified as a Variant of Uncertain Significance.

All of Us Research Program, National Institutes of Health
Classification: Likely benign for Marfan syndrome. Last evaluated: 2023-11-20. Review status: criteria provided, single submitter. Criteria: ACMG Guidelines, 2015. Collection method: clinical testing. Allele origin: germline. Inheritance: Autosomal dominant inheritance. Observed: 9 variant alleles, 9 heterozygotes.
Comment: This study involves interpretation of variants in research participants for the purpose of population health screening. Participant phenotype was not available at the time of variant classification. Additional details can be found in publication PMID: 35346344, PMCID: PMC8962531

CeGaT Center for Human Genetics Tuebingen
Classification: Uncertain significance. Last evaluated: 2020-01-01. Review status: criteria provided, single submitter. Criteria: CeGaT Center For Human Genetics Tuebingen Variant Classification Criteria Version 2. Collection method: clinical testing. Allele origin: germline. Affected: yes. Observed: 1 variant allele.

GeneDx
Classification: Likely benign. Last evaluated: 2019-12-16. Review status: criteria provided, single submitter. Criteria: GeneDx Variant Classification Process June 2021. Collection method: clinical testing. Allele origin: germline. Affected: yes.
Comment: See Variant Classification Assertion Criteria.

Color Diagnostics, LLC DBA Color Health
Classification: Likely benign for Familial thoracic aortic aneurysm and aortic dissection. Last evaluated: 2019-03-07. Review status: criteria provided, single submitter. Criteria: ACMG Guidelines, 2015. Collection method: clinical testing. Allele origin: germline.

Center for Medical Genetics Ghent, University of Ghent
Classification: Uncertain significance for Marfan syndrome. Last evaluated: 2017-11-07. Review status: no assertion criteria provided. Collection method: clinical testing. Allele origin: germline. Affected: yes. Not counted in ClinVar's aggregate classification.

Literature cited by the submitters: PubMed 30796334 (cited by Labcorp Genetics (formerly Invitae), Labcorp); PubMed 17576681 (cited by Labcorp Genetics (formerly Invitae), Labcorp); PubMed 9536098 (cited by Labcorp Genetics (formerly Invitae), Labcorp).

NM_000138.5(FBN1):c.5788+4C>A

Gene: FBN1 (fibrillin 1; minus strand). Cytogenetic location: 15q21.1.
Variant type: single nucleotide variant.
Coding change: c.5788+4C>A on transcript NM_000138.5 (MANE Select); 4 bases into the intron after coding-DNA position 5788, C replaced by A.
Molecular consequence: intron variant.
Genome position (GRCh38, 1-based): chr15:48,446,702, G>T on the plus strand (C>A on the coding strand, the complement: FBN1 is on the minus strand). VCF-style: chr15-48446702-G-T. GRCh37 (hg19) VCF-style: chr15-48738899-G-T.
Identifiers: ClinVar variation 316370 (VCV000316370.54), dbSNP rs577301285, ClinGen allele CA055644.
Genomic context (GRCh38, chr15:48,446,702, plus strand): 5'-GCTAATTACAAAGAACACATATAAAACTGACTTCCTTTGCTGATGCACAATTTTGCACAC[G>T]CACCTATACAGTCATTGTTGTGAGAAAGGATGAAACCATGATTGCAGCGGCAGTTGAAGG-3'